The following is an entry in ClinVar:

NM_001347721.2(DYRK1A):c.1626C>A (p.Cys542Ter)

Gene: DYRK1A (dual specificity tyrosine phosphorylation regulated kinase 1A; plus strand). Cytogenetic location: 21q22.13.
Variant type: single nucleotide variant.
Coding change: c.1626C>A on transcript NM_001347721.2 (MANE Select); coding-DNA position 1626, C replaced by A.
Protein change: p.Cys542Ter; replaces cysteine 542 with a stop codon.
Molecular consequence: nonsense. On other transcripts: intron variant (1).
Genome position (GRCh38, 1-based): chr21:37,506,205, C>A. VCF-style: chr21-37506205-C-A. GRCh37 (hg19) VCF-style: chr21-38878508-C-A.
Other names: c.1626C>A, p.Cys542Ter (NM_001347722.2, NM_130436.2); c.1539C>A, p.Cys513Ter (NM_001347723.2); c.1653C>A, p.Cys551Ter (NM_001396.5, NM_101395.2); c.1546+616C>A (NM_130438.2); short protein forms C551*, C513*, C542*.
Identifiers: ClinVar variation 420964 (VCV000420964.5), dbSNP rs376106351, ClinGen allele CA16621007.
Genomic context (GRCh38, chr21:37,506,205, plus strand): 5'-GACGCACCAGCATCGGCACAGTGGTGGGCACTTCACAGCTGCCGTGCAGGCCATGGACTG[C>A]GAGACACACAGTCCCCAGGTGAGCTCGCACGTGGTTCATTTGCTTGTGTCACCTGCCATT-3'

ClinVar aggregate classification (germline): Pathogenic (1 of 4 stars; one submission).

Conditions:
Complex neurodevelopmental disorder. Identifiers: Orphanet 528084, MedGen C5568766, MONDO:0100038.

Submission:

GeneDx
Classification: Pathogenic. Last evaluated: 2026-10-21. Review status: criteria provided, single submitter. Criteria: GeneDx Variant Classification Process June 2021. Collection method: clinical testing. Allele origin: germline.
Comment: Nonsense variant predicted to result in protein truncation, as the last 213 amino acids are lost, and other loss-of-function variants have been reported downstream in HGMD; Not observed at significant frequency in large population cohorts (gnomAD); This variant is associated with the following publications: (PMID: 33057194, 35982159, 35285131)